The following is an entry in ClinVar:

NM_021913.5(AXL):c.650G>A (p.Arg217His)

Gene: AXL (AXL receptor tyrosine kinase; plus strand). Cytogenetic location: 19q13.2.
Variant type: single nucleotide variant.
Coding change: c.650G>A on transcript NM_021913.5 (MANE Select); coding-DNA position 650, G replaced by A.
Protein change: p.Arg217His; replaces arginine 217 with histidine.
Molecular consequence: missense variant. On other transcripts: 5 prime UTR variant (1).
Genome position (GRCh38, 1-based): chr19:41,231,030, G>A. VCF-style: chr19-41231030-G-A. GRCh37 (hg19) VCF-style: chr19-41736935-G-A.
Other names: c.650G>A (NM_021913.4); c.-155G>A (NM_001278599.2); c.650G>A, p.Arg217His (NM_001699.6); short protein forms R217H.
Identifiers: ClinVar variation 2291219 (VCV002291219.6), dbSNP rs776682499, ClinGen allele CA9458010.

ClinVar aggregate classification (germline): Uncertain significance. Review status: criteria provided, multiple submitters, no conflicts (2 of 4 stars). 3 submissions from 3 submitters: Uncertain significance (3). Last evaluated 2023-10-06.

Conditions:
AXL-related disorder. Also called: AXL-related condition.

Allele frequency attached by ClinVar (database versions not stated): ExAC 0.00002; TOPMed 0.00003.
gnomAD v4.1: 101 of 1,613,734 alleles (0.0063%); highest among the groups gnomAD compares: Non-Finnish European, 0.0081%; no homozygotes.

Submissions (3):

Labcorp Genetics (formerly Invitae), Labcorp
Classification: Uncertain significance. Last evaluated: 2023-10-06. Review status: criteria provided, single submitter. Criteria: Invitae Variant Classification Sherloc (09022015). Collection method: clinical testing. Allele origin: germline.
Comment: This sequence change replaces arginine, which is basic and polar, with histidine, which is basic and polar, at codon 217 of the AXL protein (p.Arg217His). This variant is present in population databases (rs776682499, gnomAD 0.004%). This variant has not been reported in the literature in individuals affected with AXL-related conditions. ClinVar contains an entry for this variant (Variation ID: 2291219). Advanced modeling of protein sequence and biophysical properties (such as structural, functional, and spatial information, amino acid conservation, physicochemical variation, residue mobility, and thermodynamic stability) performed at Invitae indicates that this missense variant is not expected to disrupt AXL protein function. In summary, the available evidence is currently insufficient to determine the role of this variant in disease. Therefore, it has been classified as a Variant of Uncertain Significance.

PreventionGenetics, part of Exact Sciences
Classification: Uncertain significance for AXL-related condition. Last evaluated: 2023-04-27. Review status: criteria provided, single submitter. Criteria: ACMG Guidelines, 2015. Collection method: clinical testing. Allele origin: germline.
Comment: The AXL c.650G>A variant is predicted to result in the amino acid substitution p.Arg217His. To our knowledge, this variant has not been reported in the literature. This variant is reported in 0.0035% of alleles in individuals of European (Non-Finnish) descent in gnomAD. At this time, the clinical significance of this variant is uncertain due to the absence of conclusive functional and genetic evidence.

Ambry Genetics
Classification: Uncertain significance. Last evaluated: 2022-08-08. Review status: criteria provided, single submitter. Criteria: Ambry Variant Classification Scheme 2023. Collection method: clinical testing. Allele origin: germline.